The following is an entry in ClinVar:

ClinVar aggregate classification (germline): Uncertain significance (1 of 4 stars; one submission).

Conditions:
Long QT syndrome (LQTS). Identifiers: MedGen C0023976, MeSH D008133, MONDO:0002442. Disease mechanism: loss of function. Inheritance: Various modes of inheritance.

gnomAD v4.1: 40 of 1,614,054 alleles (0.0025%); highest among the groups gnomAD compares: South Asian, 0.043%; 1 homozygote.

Submission:

Labcorp Genetics (formerly Invitae), Labcorp
Classification: Uncertain significance for Long QT syndrome. Last evaluated: 2026-01-09. Review status: criteria provided, single submitter. Criteria: Invitae Variant Classification Sherloc (09022015). Collection method: clinical testing. Allele origin: germline.
Comment: This sequence change replaces glutamic acid, which is acidic and polar, with glycine, which is neutral and non-polar, at codon 3425 of the ANK2 protein (p.Glu3425Gly). This variant is present in population databases (rs529128783, gnomAD 0.04%). This variant has not been reported in the literature in individuals affected with ANK2-related conditions. An algorithm developed to predict the effect of missense changes on protein structure and function (PolyPhen-2) suggests that this variant is likely to be disruptive. In summary, the available evidence is currently insufficient to determine the role of this variant in disease. Therefore, it has been classified as a Variant of Uncertain Significance.

NM_001148.6(ANK2):c.10274A>G (p.Glu3425Gly)

Gene: ANK2 (ankyrin 2; plus strand). Cytogenetic location: 4q26.
Variant type: single nucleotide variant.
Coding change: c.10274A>G on transcript NM_001148.6 (MANE Select); coding-DNA position 10274, A replaced by G.
Protein change: p.Glu3425Gly; replaces glutamic acid 3425 with glycine.
Molecular consequence: missense variant. On other transcripts: intron variant (68).
Genome position (GRCh38, 1-based): chr4:113,358,892, A>G. VCF-style: chr4-113358892-A-G. GRCh37 (hg19) VCF-style: chr4-114280048-A-G.
Other names: c.10040A>G, p.Glu3347Gly (NM_001386142.1); c.6674A>G, p.Glu2225Gly (NM_001386166.1); c.10415A>G, p.Glu3472Gly (NM_001386174.1); c.10391A>G, p.Glu3464Gly (NM_001386175.1); c.4412-1931A>G (NM_001386186.2, NM_001386148.2); c.4214-1931A>G (NM_001354269.3); c.4292-1931A>G (NM_001386187.2); c.4253-1931A>G (NM_001386147.1); and 35 more; short protein forms E2225G, E3347G, E3425G, E3464G, E3472G.
Identifiers: ClinVar variation 4797520 (VCV004797520.1).